The following is an entry in ClinVar:

ClinVar aggregate classification (germline): Likely benign. Review status: criteria provided, multiple submitters, no conflicts (2 of 4 stars). 2 submissions from 2 submitters: Likely benign (2). Last evaluated 2025-12-21.

Conditions:
Bethlem myopathy 1A. Also called: MYOPATHY, BENIGN CONGENITAL, WITH CONTRACTURES; Bethlem myopathy 1; Bethlem Muscular Dystrophy. Identifiers: Orphanet 610, MedGen CN029274, MONDO:0024530, OMIM 158810.

Allele frequency attached by ClinVar (database versions not stated): gnomAD exomes 0.00001 and 0.00004; gnomAD 0.00003; ExAC 0.00004; TOPMed 0.00006.
gnomAD v4.1: 19 of 1,614,090 alleles (0.0012%); highest among the groups gnomAD compares: Admixed American, 0.023%; no homozygotes.

Submissions (2):

Labcorp Genetics (formerly Invitae), Labcorp
Classification: Likely benign for Bethlem myopathy 1A. Last evaluated: 2025-12-21. Review status: criteria provided, single submitter. Criteria: Invitae Variant Classification Sherloc (09022015). Collection method: clinical testing. Allele origin: germline.

GeneDx
Classification: Likely benign. Last evaluated: 2017-11-17. Review status: criteria provided, single submitter. Criteria: GeneDx Variant Classification (06012015). Collection method: clinical testing. Allele origin: germline. Affected: yes.
Comment: This variant is considered likely benign or benign based on one or more of the following criteria: it is a conservative change, it occurs at a poorly conserved position in the protein, it is predicted to be benign by multiple in silico algorithms, and/or has population frequency not consistent with disease.

NM_004369.4(COL6A3):c.624C>T (p.Asp208=)

Gene: COL6A3 (collagen type VI alpha 3 chain; minus strand). Cytogenetic location: 2q37.3.
Variant type: single nucleotide variant.
Coding change: c.624C>T on transcript NM_004369.4 (MANE Select); coding-DNA position 624, C replaced by T.
Protein change: p.Asp208=; no amino-acid change (aspartic acid 208 retained).
Molecular consequence: synonymous variant. On other transcripts: intron variant (4).
Genome position (GRCh38, 1-based): chr2:237,394,672, G>A on the plus strand (C>T on the coding strand, the complement: COL6A3 is on the minus strand). VCF-style: chr2-237394672-G-A. GRCh37 (hg19) VCF-style: chr2-238303315-G-A.
Other names: c.91+2055C>T (NM_057166.5, NM_057167.4, NM_057164.5 and 1 more transcripts).
Identifiers: ClinVar variation 513637 (VCV000513637.11), dbSNP rs757316338, ClinGen allele CA2189824.
Genomic context (GRCh38, chr2:237,394,672, plus strand): 5'-GTCCCCAGCCCTTTCTGGACTCACGGATGAATGCACACAGGACACTAAGTTTCCTACTAT[G>A]TCATGAAGTGAGGTAAAATTCTCTAGGTTGAACATATGCATATTGAGCGGTTCACTTGCT-3'
Protein context (NP_004360.2, residues 198-218): FNLENFTSLH[Asp208=]IVGNLVSCVH